The following is an entry in ClinVar:

ClinVar aggregate classification (germline): Uncertain significance (1 of 4 stars; one submission).

Conditions:
Hereditary spastic paraplegia 43. Also called: Spastic paraplegia 43, autosomal recessive. Identifiers: Orphanet 320370, MedGen C2680446, MONDO:0014024, OMIM 615043.

Submission:

Labcorp Genetics (formerly Invitae), Labcorp
Classification: Uncertain significance for Hereditary spastic paraplegia 43. Last evaluated: 2019-05-03. Review status: criteria provided, single submitter. Criteria: Invitae Variant Classification Sherloc (09022015). Collection method: clinical testing. Allele origin: germline.
Comment: Algorithms developed to predict the effect of missense changes on protein structure and function are either unavailable or do not agree on the potential impact of this missense change (SIFT: "Deleterious"; PolyPhen-2: "Possibly Damaging"; Align-GVGD: "Class C15"). This variant has not been reported in the literature in individuals with C19orf12-related conditions. This variant is not present in population databases (ExAC no frequency). This sequence change replaces glycine with arginine at codon 66 of the C19orf12 protein (p.Gly66Arg). The glycine residue is highly conserved and there is a moderate physicochemical difference between glycine and arginine. This variant disrupts the p.Gly66 amino acid residue in C19orf12. Other variant(s) that disrupt this residue have been observed in individuals with C19orf12-related conditions (PMID: 22584950), suggesting that it is a clinically significant residue. As a result, variants that disrupt this residue are likely to be causative of disease. In summary, the available evidence is currently insufficient to determine the role of this variant in disease. Therefore, it has been classified as a Variant of Uncertain Significance.

Literature cited by the submitters: PubMed 22584950.

NM_031448.6(C19orf12):c.163G>C (p.Gly55Arg)

Gene: C19orf12 (chromosome 19 open reading frame 12; minus strand). Cytogenetic location: 19q12.
Variant type: single nucleotide variant.
Coding change: c.163G>C on transcript NM_031448.6 (MANE Select); coding-DNA position 163, G replaced by C.
Protein change: p.Gly55Arg; replaces glycine 55 with arginine.
Molecular consequence: missense variant. On other transcripts: 5 prime UTR variant (3).
Genome position (GRCh38, 1-based): chr19:29,702,975, C>G on the plus strand (G>C on the coding strand, the complement: C19orf12 is on the minus strand). VCF-style: chr19-29702975-C-G. GRCh37 (hg19) VCF-style: chr19-30193882-C-G.
Other names: c.163G>C, p.Gly55Arg (NM_001031726.4, NM_001256046.3, NM_001256047.2); c.-30G>C (NM_001282929.1, NM_001282930.3, NM_001282931.3); short protein forms G55R, G66R.
Identifiers: ClinVar variation 855673 (VCV000855673.9), dbSNP rs1972192000, ClinGen allele CA405143602.
Genomic context (GRCh38, chr19:29,702,975, plus strand): 5'-GAGGAACCGGCTTAAACTGTCCACTTGTCATCCAGGCACCTAACAGCCCCCCGACAGCCC[C>G]CCCTAGAAAACATGGAATCGTTCAATTAGTGGGTCTTATTCATAAGCGATGGCCTTACTT-3'
Protein context (NP_113636.2, residues 45-65): VGGPPGLAVG[Gly55Arg]AVGGLLGAWM